The following is an entry in ClinVar:

NM_000053.4(ATP7B):c.287G>A (p.Gly96Asp)

Gene: ATP7B (ATPase copper transporting beta; minus strand). Cytogenetic location: 13q14.3.
Variant type: single nucleotide variant.
Coding change: c.287G>A on transcript NM_000053.4 (MANE Select); coding-DNA position 287, G replaced by A.
Protein change: p.Gly96Asp; replaces glycine 96 with aspartic acid.
Molecular consequence: missense variant.
Genome position (GRCh38, 1-based): chr13:51,974,933, C>T on the plus strand (G>A on the coding strand, the complement: ATP7B is on the minus strand). VCF-style: chr13-51974933-C-T. GRCh37 (hg19) VCF-style: chr13-52549069-C-T.
Other names: c.287G>A, p.Gly96Asp (NM_001406547.1, NM_001406548.1, NM_001005918.3 and 30 more transcripts); c.191G>A, p.Gly64Asp (NM_001406517.1, NM_001406518.1, NM_001406530.1 and 4 more transcripts); short protein forms G64D, G96D.
Identifiers: ClinVar variation 4757256 (VCV004757256.1).

ClinVar aggregate classification (germline): Uncertain significance (1 of 4 stars; one submission).

Conditions:
Wilson disease (WND). Also called: Wilson's disease. Identifiers: Orphanet 905, MedGen C0019202, MONDO:0010200, OMIM 277900. Disease mechanism: loss of function.

gnomAD v4.1: 1 of 1,614,098 alleles (0.000062%); highest among the groups gnomAD compares: Non-Finnish European, 0.000085%; no homozygotes.

Submission:

Color Diagnostics, LLC DBA Color Health
Classification: Uncertain significance for Wilson disease. Last evaluated: 2025-06-09. Review status: criteria provided, single submitter. Criteria: ACMG Guidelines, 2015. Collection method: clinical testing. Allele origin: germline.
Comment: This missense variant replaces glycine with aspartic acid at codon 96 of the ATP7B protein. Computational prediction suggests that this variant may not impact protein structure and function. To our knowledge, functional studies have not been reported for this variant. This variant has not been reported in individuals affected with ATP7B-related disorders in the literature. This variant has not been identified in the general population by the Genome Aggregation Database (gnomAD). The available evidence is insufficient to determine the role of this variant in disease conclusively. Therefore, this variant is classified as a Variant of Uncertain Significance.